The following is an entry in ClinVar:

NM_014806.5(RUSC2):c.466G>T (p.Gly156Cys)

Gene: RUSC2 (RUN and SH3 domain containing 2; plus strand). Cytogenetic location: 9p13.3.
Variant type: single nucleotide variant.
Coding change: c.466G>T on transcript NM_014806.5 (MANE Select); coding-DNA position 466, G replaced by T.
Protein change: p.Gly156Cys; replaces glycine 156 with cysteine.
Molecular consequence: missense variant. On other transcripts: non-coding transcript variant (1), intron variant (1).
Genome position (GRCh38, 1-based): chr9:35,546,987, G>T. VCF-style: chr9-35546987-G-T. GRCh37 (hg19) VCF-style: chr9-35546984-G-T.
Other names: c.466G>T, p.Gly156Cys (NM_001135999.2); c.-620-8073G>T (NM_001330740.2); short protein forms G156C.
Identifiers: ClinVar variation 1464468 (VCV001464468.8), dbSNP rs775247435, ClinGen allele CA5043469.

ClinVar aggregate classification (germline): Uncertain significance (1 of 4 stars; one submission).

gnomAD v4.1: 7 of 1,594,968 alleles (0.00044%); highest among the groups gnomAD compares: Middle Eastern, 0.017%; no homozygotes.

Submission:

Labcorp Genetics (formerly Invitae), Labcorp
Classification: Uncertain significance. Last evaluated: 2024-02-24. Review status: criteria provided, single submitter. Criteria: Invitae Variant Classification Sherloc (09022015). Collection method: clinical testing. Allele origin: germline.
Comment: This sequence change replaces glycine, which is neutral and non-polar, with cysteine, which is neutral and slightly polar, at codon 156 of the RUSC2 protein (p.Gly156Cys). This variant is present in population databases (rs775247435, gnomAD 0.002%). This variant has not been reported in the literature in individuals affected with RUSC2-related conditions. ClinVar contains an entry for this variant (Variation ID: 1464468). An algorithm developed to predict the effect of missense changes on protein structure and function (PolyPhen-2) suggests that this variant is likely to be disruptive. In summary, the available evidence is currently insufficient to determine the role of this variant in disease. Therefore, it has been classified as a Variant of Uncertain Significance.